The following is an entry in ClinVar:

NM_000353.3(TAT):c.358del (p.Glu120fs)

Gene: TAT (tyrosine aminotransferase; minus strand). Cytogenetic location: 16q22.2.
Variant type: Deletion.
Coding change: c.358del on transcript NM_000353.3 (MANE Select); coding-DNA position 358, one base deleted (G; older notation c.358delG).
Protein change: p.Glu120fs; shifts the reading frame from glutamic acid 120.
Molecular consequence: frameshift variant.
Genome position (GRCh38, 1-based): chr16:71,573,589, C deleted on the plus strand (G on the coding strand, the reverse complement: TAT is on the minus strand); the first of 3 consecutive C bases (chr16:71,573,589-71,573,591); deleting any one gives the same sequence. VCF-style (leftmost placement, unchanged base first): chr16-71573588-TC-T. GRCh37 (hg19) VCF-style: chr16-71607491-TC-T.
Other names: short protein forms E120fs.
Identifiers: ClinVar variation 2019658 (VCV002019658.4), dbSNP rs2507669416, ClinGen allele CA2580092045.

ClinVar aggregate classification (germline): Pathogenic (1 of 4 stars; one submission).

Conditions:
Tyrosinemia type II (TYRSN2). Also called: KERATOSIS PALMOPLANTARIS WITH CORNEAL DYSTROPHY; OREGON TYPE TYROSINEMIA; TAT DEFICIENCY; TYROSINE AMINOTRANSFERASE DEFICIENCY; TYROSINE TRANSAMINASE DEFICIENCY. Identifiers: Orphanet 28378, MedGen C0268487, MONDO:0010160, OMIM 276600.

Submission:

Labcorp Genetics (formerly Invitae), Labcorp
Classification: Pathogenic for Tyrosinemia type II. Last evaluated: 2022-07-25. Review status: criteria provided, single submitter. Criteria: Invitae Variant Classification Sherloc (09022015). Collection method: clinical testing. Allele origin: germline.
Comment: For these reasons, this variant has been classified as Pathogenic. This variant has not been reported in the literature in individuals affected with TAT-related conditions. This variant is not present in population databases (gnomAD no frequency). This sequence change creates a premature translational stop signal (p.Glu120Argfs*14) in the TAT gene. It is expected to result in an absent or disrupted protein product. Loss-of-function variants in TAT are known to be pathogenic (PMID: 9544843).

Literature cited by the submitters: PubMed 9544843.